The following is an entry in ClinVar:

ClinVar aggregate classification (germline): Conflicting classifications of pathogenicity. Review status: criteria provided, conflicting classifications (1 of 4 stars). 2 submissions from 2 submitters: Likely pathogenic (1); Uncertain significance (1). Last evaluated 2025-08-11.

Conditions:
Polycystic kidney disease, adult type (PKD1). Also called: Polycystic Kidney Disease 1, Autosomal Dominant; Polycystic kidney disease 1; Polycystic kidney disease 1, severe; Polycystic Kidney, Autosomal Dominant; POLYCYSTIC KIDNEY DISEASE 1 WITH OR WITHOUT POLYCYSTIC LIVER DISEASE; POLYCYSTIC KIDNEY DISEASE, ADULT, TYPE I. Identifiers: MedGen C3149841, MONDO:0008263, OMIM 173900.

Submissions (2):

GeneDx
Classification: Uncertain significance. Last evaluated: 2025-08-11. Review status: criteria provided, single submitter. Criteria: GeneDx Variant Classification Process June 2021. Collection method: clinical testing. Allele origin: germline. Affected: yes.
Comment: Complex allele identified in a patient with polycystic kidney disease in published literature; reported as a gene conversion event between PKD1 and its homologs (PMID: 33437033); Not observed at significant frequency in large population cohorts (gnomAD); In silico analysis supports a deleterious effect on protein structure/function; This variant is associated with the following publications: (PMID: 18791038, 33437033, 36246085, Liu2023[preprint])

Department of Human Genetics, Hannover Medical School
Classification: Likely pathogenic for Polycystic kidney disease, adult type. Last evaluated: 2024-09-25. Review status: criteria provided, single submitter. Criteria: ACMG Guidelines, 2015. Collection method: clinical testing. Allele origin: germline. Affected: yes.

NM_001009944.3(PKD1):c.8279_8291delinsCGCCCATCCTCAC (p.Met2760_Met2764delinsThrProIleLeuThr)

Gene: PKD1 (polycystin 1, transient receptor potential channel interacting; minus strand). Cytogenetic location: 16p13.3.
Variant type: Indel.
Coding change: c.8279_8291delinsCGCCCATCCTCAC on transcript NM_001009944.3 (MANE Select); coding-DNA positions 8279 to 8291, TGCGCATCCTCAT replaced by CGCCCATCCTCAC.
Protein change: p.Met2760_Met2764delinsThrProIleLeuThr.
Molecular consequence: missense variant.
Genome position (GRCh38, 1-based): chr16:2,103,766-2,103,778, ATGAGGATGCGCA replaced by GTGAGGATGGGCG on the plus strand (TGCGCATCCTCAT replaced by CGCCCATCCTCAC on the coding strand, the reverse complement: PKD1 is on the minus strand). VCF-style: chr16-2103766-ATGAGGATGCGCA-GTGAGGATGGGCG. GRCh37 (hg19) VCF-style: chr16-2153767-ATGAGGATGCGCA-GTGAGGATGGGCG.
Other names: c.8279_8291delinsCGCCCATCCTCAC, p.Met2760_Met2764delinsThrProIleLeuThr (NM_000296.4); c.8279_8291delTGCGCATCCTCATinsCGCCCATCCTCAC, p.Met2760_Met2764delinsThrProIleLeuThr (NM_001009944.2).
Identifiers: ClinVar variation 3901541 (VCV003901541.3).